The following is an entry in ClinVar:

ClinVar aggregate classification (germline): Benign (1 of 4 stars; one submission).

Allele frequency attached by ClinVar (database versions not stated): 1000 Genomes Project 0.02716; 1000 Genomes Project 30x 0.02795; gnomAD 0.03444 and 0.03625; TOPMed 0.03586.
gnomAD v4.1: 5,219 of 152,192 alleles (3.4%); highest among the groups gnomAD compares: Middle Eastern, 9.9%; 144 homozygotes.

Submission:

GeneDx
Classification: Benign. Last evaluated: 2018-06-18. Review status: criteria provided, single submitter. Criteria: GeneDx Variant Classification (06012015). Collection method: clinical testing. Allele origin: germline. Affected: yes.
Comment: This variant is considered likely benign or benign based on one or more of the following criteria: it is a conservative change, it occurs at a poorly conserved position in the protein, it is predicted to be benign by multiple in silico algorithms, and/or has population frequency not consistent with disease.

NM_001035.3(RYR2):c.1962-204C>T

Gene: RYR2 (ryanodine receptor 2; plus strand). Cytogenetic location: 1q43.
Variant type: single nucleotide variant.
Coding change: c.1962-204C>T on transcript NM_001035.3 (MANE Select); 204 bases into the intron before coding-DNA position 1962, C replaced by T.
Molecular consequence: intron variant.
Genome position (GRCh38, 1-based): chr1:237,496,307, C>T. VCF-style: chr1-237496307-C-T. GRCh37 (hg19) VCF-style: chr1-237659607-C-T.
Identifiers: ClinVar variation 672406 (VCV000672406.1), dbSNP rs113822672, ClinGen allele CA39824901.
Genomic context (GRCh38, chr1:237,496,307, plus strand): 5'-TAAAAAAGAAAATTAGTTGGGCGTGGTGGCACTCGCCTTTAGTGCCAGTTATTCAGGAGG[C>T]TGAGGTGGGAGGATTCCTTGAGCCTGGGAGATGGTGGCTGCAATAAACTATGATTGCACT-3'